The following is an entry in ClinVar:

NM_001134407.3(GRIN2A):c.1271C>T (p.Pro424Leu)

Gene: GRIN2A (glutamate ionotropic receptor NMDA type subunit 2A; minus strand). Cytogenetic location: 16p13.2.
Variant type: single nucleotide variant.
Coding change: c.1271C>T on transcript NM_001134407.3 (MANE Select); coding-DNA position 1271, C replaced by T.
Protein change: p.Pro424Leu; replaces proline 424 with leucine.
Molecular consequence: missense variant.
Genome position (GRCh38, 1-based): chr16:9,849,813, G>A on the plus strand (C>T on the coding strand, the complement: GRIN2A is on the minus strand). VCF-style: chr16-9849813-G-A. GRCh37 (hg19) VCF-style: chr16-9943670-G-A.
Other names: c.1271C>T, p.Pro424Leu (NM_000833.5, NM_001134408.2); short protein forms P424L.
Identifiers: ClinVar variation 225016 (VCV000225016.13), dbSNP rs375260513, ClinGen allele CA358223.

ClinVar aggregate classification (germline): Conflicting classifications of pathogenicity. Review status: criteria provided, conflicting classifications (1 of 4 stars). 2 submissions from 2 submitters: Uncertain significance (1); Likely benign (1). Last evaluated 2025-02-24.

Conditions:
Inborn genetic diseases. Identifiers: MedGen C0950123, MeSH D030342.
Landau-Kleffner syndrome (FESD). Also called: APHASIA, ACQUIRED, WITH EPILEPSY; EPILEPSY, FOCAL, WITH SPEECH DISORDER AND WITH OR WITHOUT MENTAL RETARDATION. Identifiers: Orphanet 1945, Orphanet 725, Orphanet 98818, MedGen C0282512, MONDO:0009509, OMIM 245570.

Allele frequency attached by ClinVar (database versions not stated): 1000 Genomes Project 30x 0.00016; 1000 Genomes Project 0.00020.
gnomAD v4.1: 38 of 1,614,036 alleles (0.0024%); highest among the groups gnomAD compares: South Asian, 0.029%; no homozygotes.

Submissions (2):

Labcorp Genetics (formerly Invitae), Labcorp
Classification: Likely benign for Landau-Kleffner syndrome. Last evaluated: 2025-02-24. Review status: criteria provided, single submitter. Criteria: Invitae Variant Classification Sherloc (09022015). Collection method: clinical testing. Allele origin: germline.

Ambry Genetics
Classification: Uncertain significance for Inborn genetic diseases. Last evaluated: 2014-01-07. Review status: criteria provided, single submitter. Criteria: Ambry Autosomal Dominant and X-Linked criteria (10/2015). Collection method: clinical testing. Allele origin: germline. Observed: 1 variant allele.
Comment: There is insufficient or conflicting evidence for classification of this alteration.